The following is an entry in ClinVar:

NM_022165.3(LIN7B):c.180G>T (p.Thr60=)

Gene: LIN7B (lin-7 homolog B, crumbs cell polarity complex component; plus strand). Cytogenetic location: 19q13.33.
Variant type: single nucleotide variant.
Coding change: c.180G>T on transcript NM_022165.3 (MANE Select); coding-DNA position 180, G replaced by T.
Protein change: p.Thr60=; no amino-acid change (threonine 60 retained).
Molecular consequence: synonymous variant.
Genome position (GRCh38, 1-based): chr19:49,115,283, G>T. VCF-style: chr19-49115283-G-T. GRCh37 (hg19) VCF-style: chr19-49618540-G-T.
Other names: c.180G>T, p.Thr60= (NM_001308419.2).
Identifiers: ClinVar variation 3046227 (VCV003046227.2), dbSNP rs375527609, ClinGen allele CA9566525.

ClinVar aggregate classification (germline): Likely benign (0 of 4 stars; one submission).

Conditions:
LIN7B-related disorder. Also called: LIN7B-related condition.

Allele frequency attached by ClinVar (database versions not stated): TOPMed 0.00015; gnomAD 0.00017; ExAC 0.00023; ESP Exome Variant Server 0.00023; gnomAD exomes 0.00032.

Submission:

PreventionGenetics, part of Exact Sciences
Classification: Likely benign for LIN7B-related condition. Last evaluated: 2019-10-28. Review status: no assertion criteria provided. Collection method: clinical testing. Allele origin: germline.
Comment: This variant is classified as likely benign based on ACMG/AMP sequence variant interpretation guidelines (Richards et al. 2015 PMID: 25741868, with internal and published modifications).